The following is an entry in ClinVar:

NM_173791.5(PDZD8):c.930T>C (p.His310=)

Gene: PDZD8 (PDZ domain containing 8; minus strand). Cytogenetic location: 10q26.11.
Variant type: single nucleotide variant.
Coding change: c.930T>C on transcript NM_173791.5 (MANE Select); coding-DNA position 930, T replaced by C.
Protein change: p.His310=; no amino-acid change (histidine 310 retained).
Molecular consequence: synonymous variant.
Genome position (GRCh38, 1-based): chr10:117,341,045, A>G on the plus strand (T>C on the coding strand, the complement: PDZD8 is on the minus strand). VCF-style: chr10-117341045-A-G. GRCh37 (hg19) VCF-style: chr10-119100556-A-G.
Identifiers: ClinVar variation 4874318 (VCV004874318.2).

ClinVar aggregate classification (germline): Likely benign (1 of 4 stars; one submission).

Submission:

CeGaT Center for Human Genetics Tuebingen
Classification: Likely benign. Last evaluated: 2026-06-01. Review status: criteria provided, single submitter. Criteria: CeGaT Center For Human Genetics Tuebingen Variant Classification Criteria Version 2. Collection method: clinical testing. Allele origin: germline. Affected: yes. Observed: 1 variant allele.
Comment: PDZD8: PM2:Supporting, BP4, BP7